The following is an entry in ClinVar:

ClinVar aggregate classification (germline): Uncertain significance (1 of 4 stars; one submission).

Conditions:
TTN-related disorder. Also called: TTN-related condition; TTN-related disease; TTN-related disorders.

Submission:

PreventionGenetics, part of Exact Sciences
Classification: Uncertain significance for TTN-related condition. Last evaluated: 2026-09-03. Review status: criteria provided, single submitter. Criteria: ACMG Guidelines, 2015. Collection method: clinical testing. Allele origin: germline.
Comment: The TTN c.26693G>A variant is predicted to result in the amino acid substitution p.Gly8898Glu. To our knowledge, this variant has not been reported in the literature or in a large population database (gnomAD), indicating this variant is rare. At this time, the clinical significance of this variant is uncertain due to the absence of conclusive functional and genetic evidence.

NM_001267550.2(TTN):c.26693G>A (p.Gly8898Glu)

Gene: TTN (titin; minus strand). Cytogenetic location: 2q31.2.
Variant type: single nucleotide variant.
Coding change: c.26693G>A on transcript NM_001267550.2 (MANE Select); coding-DNA position 26693, G replaced by A.
Protein change: p.Gly8898Glu; replaces glycine 8898 with glutamic acid.
Molecular consequence: missense variant. On other transcripts: intron variant (3).
Genome position (GRCh38, 1-based): chr2:178,713,965, C>T on the plus strand (G>A on the coding strand, the complement: TTN is on the minus strand). VCF-style: chr2-178713965-C-T. GRCh37 (hg19) VCF-style: chr2-179578692-C-T.
Other names: c.25742G>A, p.Gly8581Glu (NM_001256850.1); c.22961G>A, p.Gly7654Glu (NM_133378.4); c.13282+24117G>A (NM_003319.4); c.13858+24117G>A (NM_133437.4); c.13657+24117G>A (NM_133432.3); short protein forms G8581E, G7654E, G8898E.
Identifiers: ClinVar variation 4978153 (VCV004978153.1).